The following is an entry in ClinVar:

NM_001002295.2(GATA3):c.322A>G (p.Thr108Ala)

Gene: GATA3 (GATA binding protein 3; plus strand). Cytogenetic location: 10p14.
Variant type: single nucleotide variant.
Coding change: c.322A>G on transcript NM_001002295.2 (MANE Select); coding-DNA position 322, A replaced by G.
Protein change: p.Thr108Ala; replaces threonine 108 with alanine.
Molecular consequence: missense variant.
Genome position (GRCh38, 1-based): chr10:8,058,385, A>G. VCF-style: chr10-8058385-A-G. GRCh37 (hg19) VCF-style: chr10-8100348-A-G.
Other names: c.322A>G, p.Thr108Ala (NM_002051.3); short protein forms T108A.
Identifiers: ClinVar variation 2782541 (VCV002782541.3), dbSNP rs1588377690, ClinGen allele CA375966972.

ClinVar aggregate classification (germline): Uncertain significance (1 of 4 stars; one submission).

Submission:

Labcorp Genetics (formerly Invitae), Labcorp
Classification: Uncertain significance. Last evaluated: 2022-12-16. Review status: criteria provided, single submitter. Criteria: Invitae Variant Classification Sherloc (09022015). Collection method: clinical testing. Allele origin: germline.
Comment: This variant has not been reported in the literature in individuals affected with GATA3-related conditions. Advanced modeling of protein sequence and biophysical properties (such as structural, functional, and spatial information, amino acid conservation, physicochemical variation, residue mobility, and thermodynamic stability) performed at Invitae indicates that this missense variant is not expected to disrupt GATA3 protein function. In summary, the available evidence is currently insufficient to determine the role of this variant in disease. Therefore, it has been classified as a Variant of Uncertain Significance. This variant is not present in population databases (gnomAD no frequency). This sequence change replaces threonine, which is neutral and polar, with alanine, which is neutral and non-polar, at codon 108 of the GATA3 protein (p.Thr108Ala).